The following is an entry in ClinVar:

ClinVar aggregate classification (germline): Uncertain significance (1 of 4 stars; one submission).

Conditions:
Wilson disease (WND). Also called: Wilson's disease. Identifiers: Orphanet 905, MedGen C0019202, MONDO:0010200, OMIM 277900. Disease mechanism: loss of function.

Submission:

All of Us Research Program, National Institutes of Health
Classification: Uncertain significance for Wilson disease. Last evaluated: 2023-10-23. Review status: criteria provided, single submitter. Criteria: ACMG Guidelines, 2015. Collection method: clinical testing. Allele origin: germline. Inheritance: Autosomal recessive inheritance. Observed: 1 variant allele, 1 heterozygote.
Comment: This missense variant replaces leucine with valine at codon 292 of the ATP7B protein. Computational prediction suggests that this variant may have deleterious impact on protein structure and function (internally defined REVEL score threshold >= 0.7, PMID: 27666373). To our knowledge, functional studies have not been reported for this variant. This variant has not been reported in individuals affected with ATP7B-related disorders in the literature. This variant has not been identified in the general population by the Genome Aggregation Database (gnomAD). The available evidence is insufficient to determine the role of this variant in disease conclusively. Therefore, this variant is classified as a Variant of Uncertain Significance.

This study involves interpretation of variants in research participants for the purpose of population health screening. Participant phenotype was not available at the time of variant classification. Additional details can be found in publication PMID: 35346344, PMCID: PMC8962531

NM_000053.4(ATP7B):c.874T>G (p.Leu292Val)

Gene: ATP7B (ATPase copper transporting beta; minus strand). Cytogenetic location: 13q14.3.
Variant type: single nucleotide variant.
Coding change: c.874T>G on transcript NM_000053.4 (MANE Select); coding-DNA position 874, T replaced by G.
Protein change: p.Leu292Val; replaces leucine 292 with valine.
Molecular consequence: missense variant. On other transcripts: intron variant (2).
Genome position (GRCh38, 1-based): chr13:51,974,346, A>C on the plus strand (T>G on the coding strand, the complement: ATP7B is on the minus strand). VCF-style: chr13-51974346-A-C. GRCh37 (hg19) VCF-style: chr13-52548482-A-C.
Other names: c.874T>G, p.Leu292Val (NM_001005918.3, NM_001330578.2, NM_001330579.2 and 29 more transcripts); c.778T>G, p.Leu260Val (NM_001406530.1, NM_001406517.1, NM_001406518.1 and 3 more transcripts); c.802+72T>G (NM_001243182.2); c.706+72T>G (NM_001406539.1); short protein forms L260V, L292V.
Identifiers: ClinVar variation 3074074 (VCV003074074.1), dbSNP rs752378510, ClinGen allele CA388040764.
Genomic context (GRCh38, chr13:51,974,346, plus strand): 5'-GCAGAGCCACTGGGCTGGTACAAGAAGGGTCATACTTTACTTGGGCAGTTTTGTTCTCCA[A>C]GGACACTTGAATACTTTGAACCCCTAGGAGCTGGCCAATATTTTCTTCAATATTCAAGAC-3'
Protein context (NP_000044.2, residues 282-302): LLGVQSIQVS[Leu292Val]ENKTAQVKYD